The following is an entry in ClinVar:

NM_005732.4(RAD50):c.3727G>A (p.Glu1243Lys)

Genes: TH2LCRR (T helper type 2 locus control region associated RNA; minus strand), RAD50 (RAD50 double strand break repair protein; plus strand), TH2-LCR (Th2 cytokine locus control region; plus strand). Cytogenetic location: 5q31.1.
Variant type: single nucleotide variant.
Coding change: c.3727G>A on transcript NM_005732.4 (MANE Select); coding-DNA position 3727, G replaced by A.
Protein change: p.Glu1243Lys; replaces glutamic acid 1243 with lysine.
Molecular consequence: missense variant.
Genome position (GRCh38, 1-based): chr5:132,640,780, G>A. VCF-style: chr5-132640780-G-A. GRCh37 (hg19) VCF-style: chr5-131976472-G-A.
Other names: short protein forms E1243K.
Identifiers: ClinVar variation 527383 (VCV000527383.10), dbSNP rs1554101199, ClinGen allele CA360934807.

ClinVar aggregate classification (germline): Uncertain significance. Review status: criteria provided, multiple submitters, no conflicts (2 of 4 stars). 2 submissions from 2 submitters: Uncertain significance (2). Last evaluated 2025-08-13.

Conditions:
Hereditary cancer-predisposing syndrome. Also called: Neoplastic Syndromes, Hereditary; Tumor predisposition; Hereditary Cancer Syndrome; Hereditary neoplastic syndrome. Identifiers: Orphanet 140162, MedGen C0027672, MeSH D009386, MONDO:0015356.

Submissions (2):

Ambry Genetics
Classification: Uncertain significance for Hereditary cancer-predisposing syndrome. Last evaluated: 2025-08-13. Review status: criteria provided, single submitter. Criteria: Ambry Variant Classification Scheme 2023. Collection method: clinical testing. Allele origin: germline.
Comment: The p.E1243K variant (also known as c.3727G>A), located in coding exon 24 of the RAD50 gene, results from a G to A substitution at nucleotide position 3727. The glutamic acid at codon 1243 is replaced by lysine, an amino acid with similar properties. This amino acid position is conserved. In addition, this alteration is predicted to be tolerated by in silico analysis. Based on the available evidence, the clinical significance of this variant remains unclear.

Labcorp Genetics (formerly Invitae), Labcorp
Classification: Uncertain significance for Hereditary cancer-predisposing syndrome. Last evaluated: 2024-02-05. Review status: criteria provided, single submitter. Criteria: Invitae Variant Classification Sherloc (09022015). Collection method: clinical testing. Allele origin: germline.
Comment: This sequence change replaces glutamic acid, which is acidic and polar, with lysine, which is basic and polar, at codon 1243 of the RAD50 protein (p.Glu1243Lys). This variant is not present in population databases (gnomAD no frequency). This variant has not been reported in the literature in individuals affected with RAD50-related conditions. ClinVar contains an entry for this variant (Variation ID: 527383). Advanced modeling of protein sequence and biophysical properties (such as structural, functional, and spatial information, amino acid conservation, physicochemical variation, residue mobility, and thermodynamic stability) performed at Invitae indicates that this missense variant is expected to disrupt RAD50 protein function with a positive predictive value of 80%. In summary, the available evidence is currently insufficient to determine the role of this variant in disease. Therefore, it has been classified as a Variant of Uncertain Significance.